The following is an entry in ClinVar:

ClinVar aggregate classification (germline): Conflicting classifications of pathogenicity. Review status: criteria provided, conflicting classifications (1 of 4 stars). 17 submissions from 17 submitters: Uncertain significance (10); Likely benign (1). 6 of the submissions do not count toward it. Last evaluated 2026-10-22.

Conditions:
Familial thoracic aortic aneurysm and aortic dissection (TAAD). Also called: Thoracic aortic aneurysms and dissections. Identifiers: Orphanet 91387, MedGen C4707243, MONDO:0019625.
Marfan syndrome (MFS). Also called: FBN1-Related Marfan Syndrome; Marfan syndrome type 1; Marfan's syndrome; MARFAN SYNDROME, TYPE I; Marfan syndrome, classic. Identifiers: Orphanet 284963, Orphanet 558, MedGen C0024796, MONDO:0007947, OMIM 154700.
FBN1-related disorder. Also called: FBN1-related disorders.

Allele frequency attached by ClinVar (database versions not stated): gnomAD exomes 0.00006 and 0.00011; TOPMed 0.00006; ExAC 0.00007; gnomAD 0.00007 and 0.00008; ESP Exome Variant Server 0.00015.
gnomAD v4.1: 171 of 1,614,072 alleles (0.011%); highest among the groups gnomAD compares: Non-Finnish European, 0.014%; no homozygotes.

Submissions 1 to 6 of 17:

GeneDx
Classification: Uncertain significance. Last evaluated: 2026-10-22. Review status: criteria provided, single submitter. Criteria: GeneDx Variant Classification Process June 2021. Collection method: clinical testing. Allele origin: germline.
Comment: Has been reported in association with Marfan syndrome in published literature, and frequently referred to as a variant of uncertain significance (PMID: 17627385, 21895641, 24941995, 25644172, 29907982); Reported in cis with FBN1 p.(N542S) in a patient with bicuspid aortic valve, TAAD, and additional connective tissue features who also harbored variants in TGFBR3, NOTCH1, and LTBP1; Does not affect a cysteine or calcium-binding residue within an EGF-like domain or a TGF-binding protein domain of the FBN1 gene; cysteine substitutions in the EGF-like domains represent the majority of pathogenic missense changes associated with FBN1-related disorders (PMID: 12938084); In silico analysis suggests that this missense variant does not alter protein structure/function; In silico analysis supports that this missense variant has a deleterious effect on protein structure/function; This variant is associated with the following publications: (PMID: 24055113, 25812041, 25637381, 24941995, 32123317, 25644172, 21895641, 29907982, 17627385, 34663891, 30255099, 39486665, 12938084, 39402625, 41515599)

Women's Health and Genetics/Laboratory Corporation of America, LabCorp
Classification: Uncertain significance. Last evaluated: 2026-04-02. Review status: criteria provided, single submitter. Criteria: LabCorp Variant Classification Summary - May 2015. Collection method: clinical testing. Allele origin: germline.
Comment: Variant summary: FBN1 c.7379A>G (p.Lys2460Arg) results in a conservative amino acid change in the encoded protein sequence. Algorithms developed to predict the effect of missense changes on protein structure and function are either unavailable or do not agree on the potential impact of this missense change. The variant allele was found at a frequency of 6.4e-05 in 251300 control chromosomes (gnomAD). This frequency is not significantly higher than estimated for disease-causing variants in FBN1, allowing no conclusion about variant significance. c.7379A>G has been observed in individuals affected with features of Marfan Syndrome without strong evidence for causality (e.g. Howarth_2007, Robinson_2012, Overwater_2018). The variant was also found in a family with Bicuspid aortic valve, thoracic aortic root & ascending aorta dilatation but did not co-segregate with disease (Sticchi_2018). These reports do not provide unequivocal conclusions about association of the variant with Marfan Syndrome. To our knowledge, no experimental evidence demonstrating an impact on protein function has been reported. The following publications have been ascertained in the context of this evaluation (PMID: 24055113, 17627385, 29907982, 21895641, 30255099, 24941995). ClinVar contains an entry for this variant (Variation ID: 161239). Based on the evidence outlined above, the variant was classified as uncertain significance.

Labcorp Genetics (formerly Invitae), Labcorp
Classification: Uncertain significance for Marfan syndrome; Familial thoracic aortic aneurysm and aortic dissection. Last evaluated: 2025-12-08. Review status: criteria provided, single submitter. Criteria: Invitae Variant Classification Sherloc (09022015). Collection method: clinical testing. Allele origin: germline.
Comment: This sequence change replaces lysine, which is basic and polar, with arginine, which is basic and polar, at codon 2460 of the FBN1 protein (p.Lys2460Arg). This variant is present in population databases (rs144189837, gnomAD 0.01%), and has an allele count higher than expected for a pathogenic variant. This missense change has been observed in individual(s) with clinical features of aortic aneurysm and/or clinical features of Marfan syndrome and thoracic aortic disorders (PMID: 17627385, 21895641, 25644172, 29907982, 30255099; internal data). It has also been observed to segregate with disease in related individuals. ClinVar contains an entry for this variant (Variation ID: 161239). Invitae Evidence Modeling of protein sequence and biophysical properties (such as structural, functional, and spatial information, amino acid conservation, physicochemical variation, residue mobility, and thermodynamic stability) has been performed for this missense variant. However, the output from this modeling did not meet the statistical confidence thresholds required to predict the impact of this variant on FBN1 protein function. Algorithms developed to predict the effect of sequence changes on RNA splicing suggest that this variant may create or strengthen a splice site. In summary, the available evidence is currently insufficient to determine the role of this variant in disease. Therefore, it has been classified as a Variant of Uncertain Significance.

Color Diagnostics, LLC DBA Color Health
Classification: Uncertain significance for Familial thoracic aortic aneurysm and aortic dissection. Last evaluated: 2024-11-26. Review status: criteria provided, single submitter. Criteria: ACMG Guidelines, 2015. Collection method: clinical testing. Allele origin: germline.
Comment: This missense variant replaces lysine with arginine at codon 2460 of the FBN1 protein. Computational prediction suggests that this variant may have a deleterious impact on protein structure and function. Splice site prediction tools suggest that this variant may impact RNA splicing. However, an RNA study showed no evidence of abnormal splicing (PMID: 32123317). This variant has been reported in an individual affected with Marfan syndrome or Marfan-like phenotype (PMID: 17627385, 21895641) and in an individual affected with bicuspid aortic valve, a common congenital heart defect with increased prevalence of aortic dilatation/dissection (PMID: 30255099). This variant has also been reported in an individual affected with aortic dissection and suspected hereditary thoracic aortic disease (PMID: 29907982), in individual affected with non-syndromic heritable thoracic aortic disorder (PMID: 25644172), in an individual affected with hypermobile Ehlers Danlos syndrome (PMID: 38534782) and in an individual affected with tetralogy of Fallot (PMID: 39402625). This variant has been identified in 20/282708 chromosomes in the general population by the Genome Aggregation Database (gnomAD). The available evidence is insufficient to determine the role of this variant in disease conclusively. Therefore, this variant is classified as a Variant of Uncertain Significance.

Ambry Genetics
Classification: Uncertain significance for Familial thoracic aortic aneurysm and aortic dissection. Last evaluated: 2024-10-08. Review status: criteria provided, single submitter. Criteria: Ambry Variant Classification Scheme 2023. Collection method: clinical testing. Allele origin: germline.
Comment: The p.K2460R variant (also known as c.7379A>G), located in coding exon 59 of the FBN1 gene, results from an A to G substitution at nucleotide position 7379. The lysine at codon 2460 is replaced by arginine, an amino acid with highly similar properties. This alteration has been reported in individuals from cohorts with Marfan syndrome or Marfan-like features; however, details were limited (Campens L et al. Orphanet J Rare Dis, 2015 Feb;10:9; Howarth R et al. Genet. Test., 2007;11:146-52). This variant was also detected in probands with bicuspid aortic valve, aortic dissection/dilation, and systemic features; however, other variants were also detected (Overwater E et al. Hum Mutat. 2018 09;39(9):1173-1192; Sticchi E et al. Biomed Res Int. 2018 Sep;2018:8386123). This alteration has also been seen in exome cohorts, but cardiovascular history was not provided (Dorschner MO et al. Am. J. Hum. Genet., 2013 Oct;93:631-40; Amendola LM et al. Genome Res., 2015 Mar;25:305-15). This amino acid position is highly conserved in available vertebrate species. In addition, this alteration is predicted to be deleterious by in silico analysis. Since supporting evidence is limited at this time, the clinical significance of this alteration remains unclear.

Clinical Genetics and Genomics, Karolinska University Hospital
Classification: Uncertain significance. Last evaluated: 2024-01-26. Review status: criteria provided, single submitter. Criteria: ACMG Guidelines, 2015. Collection method: clinical testing. Allele origin: germline. Affected: yes. Observed: 1 variant allele.

NM_000138.5(FBN1):c.7379A>G (p.Lys2460Arg)

Gene: FBN1 (fibrillin 1; minus strand). Cytogenetic location: 15q21.1.
Variant type: single nucleotide variant.
Coding change: c.7379A>G on transcript NM_000138.5 (MANE Select); coding-DNA position 7379, A replaced by G.
Protein change: p.Lys2460Arg; replaces lysine 2460 with arginine.
Molecular consequence: missense variant.
Genome position (GRCh38, 1-based): chr15:48,425,443, T>C on the plus strand (A>G on the coding strand, the complement: FBN1 is on the minus strand). VCF-style: chr15-48425443-T-C. GRCh37 (hg19) VCF-style: chr15-48717640-T-C.
Other names: p.K2460R:AAA>AGA; short protein forms K2460R.
Identifiers: ClinVar variation 161239 (VCV000161239.84), dbSNP rs144189837, ClinGen allele CA017173.